The following is an entry in ClinVar:

NM_138691.3(TMC1):c.748G>A (p.Ala250Thr)

Gene: TMC1 (transmembrane channel like 1; plus strand). Cytogenetic location: 9q21.13.
Variant type: single nucleotide variant.
Coding change: c.748G>A on transcript NM_138691.3 (MANE Select); coding-DNA position 748, G replaced by A.
Protein change: p.Ala250Thr; replaces alanine 250 with threonine.
Molecular consequence: missense variant.
Genome position (GRCh38, 1-based): chr9:72,772,419, G>A. VCF-style: chr9-72772419-G-A. GRCh37 (hg19) VCF-style: chr9-75387335-G-A.
Other names: short protein forms A250T.
Identifiers: ClinVar variation 3601915 (VCV003601915.1).
Genomic context (GRCh38, chr9:72,772,419, plus strand): 5'-CCTTTGAGTTGCTCTTCACGACAACTGCTAAGTGGCTTTGTTGTTGGATTTCAGGGTTTG[G>A]CACAATATTCCGTTCTCTTTTATGGCTATTATGACAATAAACGAACAATTGGATGGATGA-3'
Protein context (NP_619636.2, residues 240-260): FGVLYDFNGL[Ala250Thr]QYSVLFYGYY

ClinVar aggregate classification (germline): Likely pathogenic (1 of 4 stars; one submission).

Conditions:
Autosomal recessive nonsyndromic hearing loss 7. Also called: DEAFNESS, AUTOSOMAL RECESSIVE 11. Identifiers: Orphanet 90636, MedGen C1832978, MONDO:0010967, OMIM 600974.

Submission:

Institute of Rare Diseases, West China Hospital, Sichuan University
Classification: Likely pathogenic for Autosomal recessive nonsyndromic hearing loss 7. Last evaluated: 2025-01-09. Review status: criteria provided, single submitter. Criteria: ClinGen HL ACMG Specifications v1. Collection method: research. Allele origin: germline. Affected: yes.
Comment: PM3_Strong;PP1;PM2_Supporting;PP3